The following is an entry in ClinVar:

ClinVar aggregate classification (germline): Uncertain significance (1 of 4 stars; one submission).

Allele frequency attached by ClinVar (database versions not stated): gnomAD exomes 0.00001.
gnomAD v4.1: 11 of 1,613,372 alleles (0.00068%); highest among the groups gnomAD compares: Non-Finnish European, 0.00093%; no homozygotes.

Submission:

Labcorp Genetics (formerly Invitae), Labcorp
Classification: Uncertain significance. Last evaluated: 2023-07-13. Review status: criteria provided, single submitter. Criteria: Invitae Variant Classification Sherloc (09022015). Collection method: clinical testing. Allele origin: germline.
Comment: In summary, the available evidence is currently insufficient to determine the role of this variant in disease. Therefore, it has been classified as a Variant of Uncertain Significance. An algorithm developed to predict the effect of missense changes on protein structure and function (PolyPhen-2) suggests that this variant is likely to be tolerated. This sequence change replaces isoleucine, which is neutral and non-polar, with valine, which is neutral and non-polar, at codon 200 of the PAFAH1B1 protein (p.Ile200Val). This variant is not present in population databases (gnomAD no frequency). This variant has not been reported in the literature in individuals affected with PAFAH1B1-related conditions.

NM_000430.4(PAFAH1B1):c.598A>G (p.Ile200Val)

Gene: PAFAH1B1 (platelet activating factor acetylhydrolase 1b regulatory subunit 1; plus strand). Cytogenetic location: 17p13.3.
Variant type: single nucleotide variant.
Coding change: c.598A>G on transcript NM_000430.4 (MANE Select); coding-DNA position 598, A replaced by G.
Protein change: p.Ile200Val; replaces isoleucine 200 with valine.
Molecular consequence: missense variant.
Genome position (GRCh38, 1-based): chr17:2,672,684, A>G. VCF-style: chr17-2672684-A-G. GRCh37 (hg19) VCF-style: chr17-2575978-A-G.
Other names: short protein forms I200V.
Identifiers: ClinVar variation 2868452 (VCV002868452.3), dbSNP rs2069200159, ClinGen allele CA397641173.
Genomic context (GRCh38, chr17:2,672,684, plus strand): 5'-CTTCATAATATATTGCTGTTATGTGTTTTAGGCCATGACCACAATGTTTCTTCAGTAGCC[A>G]TCATGCCCAATGGAGATCATATAGTGTCTGCCTCAAGGGATAAAACTATAAAAATGTGGG-3'
Protein context (NP_000421.1, residues 190-210): GHDHNVSSVA[Ile200Val]MPNGDHIVSA